The following is an entry in ClinVar:

ClinVar aggregate classification (germline): Uncertain significance. Review status: criteria provided, multiple submitters, no conflicts (2 of 4 stars). 4 submissions from 4 submitters: Uncertain significance (4). Last evaluated 2025-05-19.

Conditions:
CDH1-related diffuse gastric and lobular breast cancer syndrome. Also called: CDH1-related diffuse gastric and lobular breast cancer. Identifiers: MedGen CN311521, MONDO:0100488.
Hereditary cancer-predisposing syndrome. Also called: Neoplastic Syndromes, Hereditary; Tumor predisposition; Hereditary Cancer Syndrome; Hereditary neoplastic syndrome. Identifiers: Orphanet 140162, MedGen C0027672, MeSH D009386, MONDO:0015356.
Hereditary diffuse gastric adenocarcinoma (HDGC). Also called: DIFFUSE GASTRIC AND LOBULAR BREAST CANCER SYNDROME. Identifiers: Orphanet 26106, MedGen C1708349, MONDO:0007648, OMIM 137215.

Submissions (4):

Hema, HEMA – Genetic and Molecular Diagnostic Laboratory
Classification: Uncertain significance for CDH1-related diffuse gastric and lobular breast cancer syndrome. Last evaluated: 2025-05-19. Review status: criteria provided, single submitter. Criteria: HEMA Variant Classification Assertion Criteria. Collection method: clinical testing. Allele origin: germline.
Comment: It is a transition from cytosine to thymine, resulting in the substitution of proline 219 by serine in CHEK2. PM2_Supporting: Absent in the gnomAD v4.1.0 database.

Labcorp Genetics (formerly Invitae), Labcorp
Classification: Uncertain significance for Hereditary diffuse gastric adenocarcinoma. Last evaluated: 2024-04-22. Review status: criteria provided, single submitter. Criteria: Invitae Variant Classification Sherloc (09022015). Collection method: clinical testing. Allele origin: germline.
Comment: This sequence change replaces proline, which is neutral and non-polar, with serine, which is neutral and polar, at codon 219 of the CDH1 protein (p.Pro219Ser). This variant is not present in population databases (gnomAD no frequency). This missense change has been observed in individual(s) with colorectal cancer (PMID: 28135145). ClinVar contains an entry for this variant (Variation ID: 406617). An algorithm developed to predict the effect of missense changes on protein structure and function (PolyPhen-2) suggests that this variant is likely to be disruptive. In summary, the available evidence is currently insufficient to determine the role of this variant in disease. Therefore, it has been classified as a Variant of Uncertain Significance.

Color Diagnostics, LLC DBA Color Health
Classification: Uncertain significance for Hereditary cancer-predisposing syndrome. Last evaluated: 2024-02-26. Review status: criteria provided, single submitter. Criteria: ACMG Guidelines, 2015. Collection method: clinical testing. Allele origin: germline.
Comment: This missense variant replaces proline with serine at codon 219 of the CDH1 protein. To our knowledge, functional studies have not been reported for this variant. This variant has been reported in an individual affected with colorectal cancer (PMID: 28135145). This variant has not been identified in the general population by the Genome Aggregation Database (gnomAD). The available evidence is insufficient to determine the role of this variant in disease conclusively. Therefore, this variant is classified as a Variant of Uncertain Significance.

Ambry Genetics
Classification: Uncertain significance for Hereditary cancer-predisposing syndrome. Last evaluated: 2019-07-03. Review status: criteria provided, single submitter. Criteria: Ambry Variant Classification Scheme 2023. Collection method: clinical testing. Allele origin: germline.
Comment: The p.P219S variant (also known as c.655C>T), located in coding exon 5 of the CDH1 gene, results from a C to T substitution at nucleotide position 655. The proline at codon 219 is replaced by serine, an amino acid with similar properties. This amino acid position is well conserved in available vertebrate species. In addition, the in silico prediction for this alteration is inconclusive. Since supporting evidence is limited at this time, the clinical significance of this alteration remains unclear.

Literature cited by the submitters: PubMed 28135145 (cited by Labcorp Genetics (formerly Invitae), Labcorp and Color Diagnostics, LLC DBA Color Health).

NM_004360.5(CDH1):c.655C>T (p.Pro219Ser)

Gene: CDH1 (cadherin 1; plus strand). Cytogenetic location: 16q22.1.
Variant type: single nucleotide variant.
Coding change: c.655C>T on transcript NM_004360.5 (MANE Select); coding-DNA position 655, C replaced by T.
Protein change: p.Pro219Ser; replaces proline 219 with serine.
Molecular consequence: missense variant. On other transcripts: 5 prime UTR variant (2).
Genome position (GRCh38, 1-based): chr16:68,808,816, C>T. VCF-style: chr16-68808816-C-T. GRCh37 (hg19) VCF-style: chr16-68842719-C-T.
Other names: c.655C>T (LRG_301t1); c.655C>T, p.Pro219Ser (NM_001317184.2); c.-961C>T (NM_001317185.2); c.-1165C>T (NM_001317186.2); short protein forms P219S.
Identifiers: ClinVar variation 406617 (VCV000406617.12), dbSNP rs1060501216, ClinGen allele CA16615370.